The following is an entry in ClinVar:

ClinVar aggregate classification (germline): Uncertain significance. Review status: criteria provided, multiple submitters, no conflicts (2 of 4 stars). 2 submissions from 2 submitters: Uncertain significance (2). Last evaluated 2023-09-28.

Allele frequency attached by ClinVar (database versions not stated): gnomAD exomes 0.00004; ExAC 0.00007; gnomAD 0.00007 and 0.00009; TOPMed 0.00007; ESP Exome Variant Server 0.00017; 1000 Genomes Project 30x 0.00062; 1000 Genomes Project 0.00080.
gnomAD v4.1: 61 of 1,611,896 alleles (0.0038%); highest among the groups gnomAD compares: African/African-American, 0.027%; no homozygotes.

Submissions (2):

Labcorp Genetics (formerly Invitae), Labcorp
Classification: Uncertain significance. Last evaluated: 2023-09-28. Review status: criteria provided, single submitter. Criteria: Invitae Variant Classification Sherloc (09022015). Collection method: clinical testing. Allele origin: germline.
Comment: This sequence change replaces arginine, which is basic and polar, with tryptophan, which is neutral and slightly polar, at codon 543 of the IFT81 protein (p.Arg543Trp). This variant is present in population databases (rs190174158, gnomAD 0.02%). This variant has not been reported in the literature in individuals affected with IFT81-related conditions. ClinVar contains an entry for this variant (Variation ID: 1485738). Advanced modeling of protein sequence and biophysical properties (such as structural, functional, and spatial information, amino acid conservation, physicochemical variation, residue mobility, and thermodynamic stability) performed at Invitae indicates that this missense variant is expected to disrupt IFT81 protein function. In summary, the available evidence is currently insufficient to determine the role of this variant in disease. Therefore, it has been classified as a Variant of Uncertain Significance.

Blueprint Genetics
Classification: Uncertain significance. Last evaluated: 2022-02-02. Review status: criteria provided, single submitter. Criteria: ACMG Guidelines, 2015. Collection method: clinical testing. Allele origin: germline.

NM_014055.4(IFT81):c.1627C>T (p.Arg543Trp)

Gene: IFT81 (intraflagellar transport 81; plus strand). Cytogenetic location: 12q24.11.
Variant type: single nucleotide variant.
Coding change: c.1627C>T on transcript NM_014055.4 (MANE Select); coding-DNA position 1627, C replaced by T.
Protein change: p.Arg543Trp; replaces arginine 543 with tryptophan.
Molecular consequence: missense variant. On other transcripts: non-coding transcript variant (4).
Genome position (GRCh38, 1-based): chr12:110,203,933, C>T. VCF-style: chr12-110203933-C-T. GRCh37 (hg19) VCF-style: chr12-110641738-C-T.
Other names: c.1627C>T, p.Arg543Trp (NM_001143779.2); c.697C>T, p.Arg233Trp (NM_001347947.2, NM_001347948.2); short protein forms R543W, R233W.
Identifiers: ClinVar variation 1485738 (VCV001485738.7), dbSNP rs190174158, ClinGen allele CA6783421.